The following is an entry in ClinVar:

NM_001148.6(ANK2):c.7581C>T (p.Leu2527=)

Genes: ANK2 (ankyrin 2; plus strand), LOC126807137 (CDK7 strongly-dependent group 2 enhancer GRCh37_chr4:114276560-114277759; plus strand). Cytogenetic location: 4q26.
Variant type: single nucleotide variant.
Coding change: c.7581C>T on transcript NM_001148.6 (MANE Select); coding-DNA position 7581, C replaced by T.
Protein change: p.Leu2527=; no amino-acid change (leucine 2527 retained).
Molecular consequence: synonymous variant. On other transcripts: intron variant (68).
Genome position (GRCh38, 1-based): chr4:113,356,199, C>T. VCF-style: chr4-113356199-C-T. GRCh37 (hg19) VCF-style: chr4-114277355-C-T.
Other names: c.7347C>T, p.Leu2449= (NM_001386142.1); c.3981C>T, p.Leu1327= (NM_001386166.1); c.7722C>T, p.Leu2574= (NM_001386174.1); c.7698C>T, p.Leu2566= (NM_001386175.1); c.4412-4624C>T (NM_001386186.2, NM_001386148.2); c.4214-4624C>T (NM_001354269.3); c.4292-4624C>T (NM_001386187.2); c.4253-4624C>T (NM_001386147.1); and 35 more.
Identifiers: ClinVar variation 516956 (VCV000516956.14), dbSNP rs376323883, ClinGen allele CA3051620.

ClinVar aggregate classification (germline): Likely benign. Review status: criteria provided, multiple submitters, no conflicts (2 of 4 stars). 4 submissions from 4 submitters: Likely benign (3). 1 of the submissions does not count toward it. Last evaluated 2025-04-30.

Conditions:
ANK2-related disorder. Also called: ANK2-related condition.
Cardiovascular phenotype. Identifiers: MedGen CN230736.
Long QT syndrome (LQTS). Identifiers: MedGen C0023976, MeSH D008133, MONDO:0002442. Disease mechanism: loss of function. Inheritance: Various modes of inheritance.

Allele frequency attached by ClinVar (database versions not stated): ExAC 0.00001; TOPMed 0.00007; ESP Exome Variant Server 0.00008.
gnomAD v4.1: 107 of 1,613,888 alleles (0.0066%); highest among the groups gnomAD compares: Non-Finnish European, 0.0086%; no homozygotes.

Submissions (4):

Labcorp Genetics (formerly Invitae), Labcorp
Classification: Likely benign for Long QT syndrome. Last evaluated: 2025-04-30. Review status: criteria provided, single submitter. Criteria: Invitae Variant Classification Sherloc (09022015). Collection method: clinical testing. Allele origin: germline.

Ambry Genetics
Classification: Likely benign for Cardiovascular phenotype. Last evaluated: 2022-11-02. Review status: criteria provided, single submitter. Criteria: Ambry Variant Classification Scheme 2023. Collection method: clinical testing. Allele origin: germline.

GeneDx
Classification: Likely benign. Last evaluated: 2017-03-20. Review status: criteria provided, single submitter. Criteria: GeneDx Variant Classification (06012015). Collection method: clinical testing. Allele origin: germline. Affected: yes.
Comment: This variant is considered likely benign or benign based on one or more of the following criteria: it is a conservative change, it occurs at a poorly conserved position in the protein, it is predicted to be benign by multiple in silico algorithms, and/or has population frequency not consistent with disease.

PreventionGenetics, part of Exact Sciences
Classification: Likely benign for ANK2-related condition. Last evaluated: 2021-10-13. Review status: no assertion criteria provided. Collection method: clinical testing. Allele origin: germline. Not counted in ClinVar's aggregate classification.
Comment: This variant is classified as likely benign based on ACMG/AMP sequence variant interpretation guidelines (Richards et al. 2015 PMID: 25741868, with internal and published modifications).